The following is an entry in ClinVar:

ClinVar aggregate classification (germline): Benign/Likely benign. Review status: criteria provided, multiple submitters, no conflicts (2 of 4 stars). 3 submissions from 3 submitters: Benign (1); Likely benign (2). Last evaluated 2026-05-20.

Conditions:
Neurofibromatosis, type 1 (NF1). Also called: Neurofibromatosis, type I; NEUROFIBROMATOSIS, TYPE I, SOMATIC; VON RECKLINGHAUSEN DISEASE; Peripheral type neurofibromatosis. Identifiers: Orphanet 636, MedGen C0027831, MONDO:0018975, OMIM 162200. Disease mechanism: loss of function.
Hereditary cancer-predisposing syndrome. Also called: Tumor predisposition; Hereditary Cancer Syndrome; Hereditary neoplastic syndrome; Neoplastic Syndromes, Hereditary. Identifiers: Orphanet 140162, MedGen C0027672, MeSH D009386, MONDO:0015356.
Cardiovascular phenotype. Identifiers: MedGen CN230736.

Submissions (3):

Myriad Genetics, Inc.
Classification: Benign for Neurofibromatosis, type 1. Last evaluated: 2026-05-20. Review status: criteria provided, single submitter. Criteria: Myriad Autosomal Dominant, Autosomal Recessive and X-Linked Classification Criteria (2023). Collection method: clinical testing. Allele origin: unknown.
Comment: This variant is considered benign. This variant is a silent/synonymous amino acid change and it is not expected to impact splicing.

Ambry Genetics
Classification: Likely benign for Cardiovascular phenotype; Hereditary cancer-predisposing syndrome. Last evaluated: 2023-06-27. Review status: criteria provided, single submitter. Criteria: Ambry Variant Classification Scheme 2023. Collection method: clinical testing. Allele origin: germline.

Labcorp Genetics (formerly Invitae), Labcorp
Classification: Likely benign for Neurofibromatosis, type 1. Last evaluated: 2022-09-30. Review status: criteria provided, single submitter. Criteria: Invitae Variant Classification Sherloc (09022015). Collection method: clinical testing. Allele origin: germline.

NM_001042492.3(NF1):c.5622T>C (p.Tyr1874=)

Gene: NF1 (neurofibromin 1; plus strand). Cytogenetic location: 17q11.2.
Variant type: single nucleotide variant.
Coding change: c.5622T>C on transcript NM_001042492.3 (MANE Select); coding-DNA position 5622, T replaced by C.
Protein change: p.Tyr1874=; no amino-acid change (tyrosine 1874 retained).
Molecular consequence: synonymous variant.
Genome position (GRCh38, 1-based): chr17:31,330,308, T>C. VCF-style: chr17-31330308-T-C. GRCh37 (hg19) VCF-style: chr17-29657326-T-C.
Other names: c.5559T>C, p.Tyr1853= (NM_000267.4).
Identifiers: ClinVar variation 2131176 (VCV002131176.6), dbSNP rs2508717661, ClinGen allele CA499233365.